The following is an entry in ClinVar:

NM_022124.6(CDH23):c.2801C>T (p.Pro934Leu)

Gene: CDH23 (cadherin related 23; plus strand). Cytogenetic location: 10q22.1.
Variant type: single nucleotide variant.
Coding change: c.2801C>T on transcript NM_022124.6 (MANE Select); coding-DNA position 2801, C replaced by T.
Protein change: p.Pro934Leu; replaces proline 934 with leucine.
Molecular consequence: missense variant.
Genome position (GRCh38, 1-based): chr10:71,704,978, C>T. VCF-style: chr10-71704978-C-T. GRCh37 (hg19) VCF-style: chr10-73464735-C-T.
Other names: c.2801C>T, p.Pro934Leu (NM_001171930.2, NM_001171931.2); short protein forms P934L.
Identifiers: ClinVar variation 1925107 (VCV001925107.5), dbSNP rs1251075845, ClinGen allele CA377139581.

ClinVar aggregate classification (germline): Uncertain significance (1 of 4 stars; one submission).

Allele frequency attached by ClinVar (database versions not stated): gnomAD exomes below 0.00001; gnomAD 0.00001; TOPMed 0.00001.
gnomAD v4.1: 3 of 1,612,676 alleles (0.00019%); highest among the groups gnomAD compares: East Asian, 0.0022%; no homozygotes.

Submission:

Labcorp Genetics (formerly Invitae), Labcorp
Classification: Uncertain significance. Last evaluated: 2024-02-16. Review status: criteria provided, single submitter. Criteria: Invitae Variant Classification Sherloc (09022015). Collection method: clinical testing. Allele origin: germline.
Comment: This sequence change replaces proline, which is neutral and non-polar, with leucine, which is neutral and non-polar, at codon 934 of the CDH23 protein (p.Pro934Leu). This variant is not present in population databases (gnomAD no frequency). This variant has not been reported in the literature in individuals affected with CDH23-related conditions. ClinVar contains an entry for this variant (Variation ID: 1925107). Advanced modeling of protein sequence and biophysical properties (such as structural, functional, and spatial information, amino acid conservation, physicochemical variation, residue mobility, and thermodynamic stability) performed at Invitae indicates that this missense variant is not expected to disrupt CDH23 protein function with a negative predictive value of 95%. In summary, the available evidence is currently insufficient to determine the role of this variant in disease. Therefore, it has been classified as a Variant of Uncertain Significance.